The following is an entry in ClinVar:

ClinVar aggregate classification (germline): Uncertain significance (1 of 4 stars; one submission).

Conditions:
Amyotrophic lateral sclerosis type 21. Also called: VOCAL CORD AND PHARYNGEAL DYSFUNCTION WITH DISTAL MYOPATHY; MYOPATHY, DISTAL, 2. Identifiers: Orphanet 600, Orphanet 803, MedGen C3807521, MONDO:0011632, OMIM 606070.

Submission:

Labcorp Genetics (formerly Invitae), Labcorp
Classification: Uncertain significance for Amyotrophic lateral sclerosis type 21. Last evaluated: 2022-03-08. Review status: criteria provided, single submitter. Criteria: Invitae Variant Classification Sherloc (09022015). Collection method: clinical testing. Allele origin: germline.
Comment: Algorithms developed to predict the effect of missense changes on protein structure and function (SIFT, PolyPhen-2, Align-GVGD) all suggest that this variant is likely to be tolerated. In summary, the available evidence is currently insufficient to determine the role of this variant in disease. Therefore, it has been classified as a Variant of Uncertain Significance. This variant has not been reported in the literature in individuals affected with MATR3-related conditions. This variant is not present in population databases (gnomAD no frequency). This sequence change replaces glutamine, which is neutral and polar, with histidine, which is basic and polar, at codon 643 of the MATR3 protein (p.Gln643His).

NM_018834.6(MATR3):c.1929G>T (p.Gln643His)

Genes: MATR3 (matrin 3; plus strand), LOC126807526 (CDK7 strongly-dependent group 2 enhancer GRCh37_chr5:138657767-138658966; plus strand). Cytogenetic location: 5q31.2.
Variant type: single nucleotide variant.
Coding change: c.1929G>T on transcript NM_018834.6 (MANE Select); coding-DNA position 1929, G replaced by T.
Protein change: p.Gln643His; replaces glutamine 643 with histidine.
Molecular consequence: missense variant.
Genome position (GRCh38, 1-based): chr5:139,322,748, G>T. VCF-style: chr5-139322748-G-T. GRCh37 (hg19) VCF-style: chr5-138658437-G-T.
Other names: c.1929G>T, p.Gln643His (NM_001194954.2, NM_001194955.2, NM_001400441.1 and 16 more transcripts); c.1065G>T, p.Gln355His (NM_001194956.2); c.915G>T, p.Gln305His (NM_001282278.2, NM_001400460.1, NM_001400462.1 and 5 more transcripts); c.1068G>T, p.Gln356His (NM_001400459.1); c.1029G>T, p.Gln343His (NM_001400461.1); short protein forms Q305H, Q343H, Q356H, Q355H, Q643H.
Identifiers: ClinVar variation 2047917 (VCV002047917.4), dbSNP rs553655919, ClinGen allele CA361143900.